The following is an entry in ClinVar:

ClinVar aggregate classification (germline): Uncertain significance (1 of 4 stars; one submission).

Conditions:
Hereditary diffuse gastric adenocarcinoma (HDGC). Also called: DIFFUSE GASTRIC AND LOBULAR BREAST CANCER SYNDROME. Identifiers: Orphanet 26106, MedGen C1708349, MONDO:0007648, OMIM 137215.

Submission:

Labcorp Genetics (formerly Invitae), Labcorp
Classification: Uncertain significance for Hereditary diffuse gastric adenocarcinoma. Last evaluated: 2018-08-28. Review status: criteria provided, single submitter. Criteria: Invitae Variant Classification Sherloc (09022015). Collection method: clinical testing. Allele origin: germline.
Comment: This variant is not present in population databases (ExAC no frequency). In summary, the available evidence is currently insufficient to determine the role of this variant in disease. Therefore, it has been classified as a Variant of Uncertain Significance. Algorithms developed to predict the effect of missense changes on protein structure and function are either unavailable or do not agree on the potential impact of this missense change (SIFT: "Deleterious"; PolyPhen-2: "Probably Damaging"; Align-GVGD: "Class C0"). This variant has not been reported in the literature in individuals with CDH1-related disease. This sequence change replaces leucine with phenylalanine at codon 436 of the CDH1 protein (p.Leu436Phe). The leucine residue is highly conserved and there is a small physicochemical difference between leucine and phenylalanine.

NM_004360.5(CDH1):c.1308G>C (p.Leu436Phe)

Gene: CDH1 (cadherin 1; plus strand). Cytogenetic location: 16q22.1.
Variant type: single nucleotide variant.
Coding change: c.1308G>C on transcript NM_004360.5 (MANE Select); coding-DNA position 1308, G replaced by C.
Protein change: p.Leu436Phe; replaces leucine 436 with phenylalanine.
Molecular consequence: missense variant. On other transcripts: 5 prime UTR variant (2), intron variant (1).
Genome position (GRCh38, 1-based): chr16:68,813,483, G>C. VCF-style: chr16-68813483-G-C. GRCh37 (hg19) VCF-style: chr16-68847386-G-C.
Other names: c.1308G>C (LRG_301t1); c.-308G>C (NM_001317185.2); c.-512G>C (NM_001317186.2); c.1137+1220G>C (NM_001317184.2); short protein forms L436F.
Identifiers: ClinVar variation 657253 (VCV000657253.9), dbSNP rs557551011, ClinGen allele CA396461893.
Genomic context (GRCh38, chr16:68,813,483, plus strand): 5'-GAATGATGATGGTGGACAATTTGTCGTCACCACAAATCCAGTGAACAACGATGGCATTTT[G>C]AAAACAGCAAAGGTTTGTATGGTACCTGGCAAGATGCAGAAACTGGCATCCTCACAGCTG-3'
Protein context (NP_004351.1, residues 426-446): TTNPVNNDGI[Leu436Phe]KTAKGLDFEA